The following is an entry in ClinVar:

NM_002439.5(MSH3):c.888C>T (p.Arg296=)

Gene: MSH3 (mutS homolog 3; plus strand). Cytogenetic location: 5q14.1.
Variant type: single nucleotide variant.
Coding change: c.888C>T on transcript NM_002439.5 (MANE Select); coding-DNA position 888, C replaced by T.
Protein change: p.Arg296=; no amino-acid change (arginine 296 retained).
Molecular consequence: synonymous variant.
Genome position (GRCh38, 1-based): chr5:80,672,339, C>T. VCF-style: chr5-80672339-C-T. GRCh37 (hg19) VCF-style: chr5-79968158-C-T.
Identifiers: ClinVar variation 822797 (VCV000822797.18), dbSNP rs555948314, ClinGen allele CA3327737.

ClinVar aggregate classification (germline): Likely benign. Review status: criteria provided, multiple submitters, no conflicts (2 of 4 stars). 6 submissions from 6 submitters: Likely benign (5). 1 of the submissions does not count toward it. Last evaluated 2025-12-20.

Conditions:
Hereditary cancer-predisposing syndrome. Also called: Tumor predisposition; Hereditary Cancer Syndrome; Neoplastic Syndromes, Hereditary; Hereditary neoplastic syndrome. Identifiers: Orphanet 140162, MedGen C0027672, MeSH D009386, MONDO:0015356.
MSH3-related disorder. Also called: MSH3-related condition.

Allele frequency attached by ClinVar (database versions not stated): gnomAD 0.00002; TOPMed 0.00003; gnomAD exomes 0.00004 and 0.00006; ExAC 0.00007.
gnomAD v4.1: 66 of 1,613,466 alleles (0.0041%); highest among the groups gnomAD compares: Non-Finnish European, 0.0055%; no homozygotes.

Submissions (6):

Labcorp Genetics (formerly Invitae), Labcorp
Classification: Likely benign. Last evaluated: 2025-12-20. Review status: criteria provided, single submitter. Criteria: Invitae Variant Classification Sherloc (09022015). Collection method: clinical testing. Allele origin: germline.

Center for Genomic Medicine, Rigshospitalet, Copenhagen University Hospital
Classification: Likely benign. Last evaluated: 2025-03-04. Review status: criteria provided, single submitter. Criteria: ACMG Guidelines, 2015. Collection method: clinical testing. Allele origin: germline.

Quest Diagnostics Nichols Institute San Juan Capistrano
Classification: Likely benign. Last evaluated: 2023-07-13. Review status: criteria provided, single submitter. Criteria: Quest Diagnostics criteria. Collection method: clinical testing. Allele origin: unknown.

Sema4
Classification: Likely benign for Hereditary cancer-predisposing syndrome. Last evaluated: 2022-03-14. Review status: criteria provided, single submitter. Criteria: Sema4 Curation Guidelines. Collection method: curation. Allele origin: germline.

Ambry Genetics
Classification: Likely benign for Hereditary cancer-predisposing syndrome. Last evaluated: 2019-01-08. Review status: criteria provided, single submitter. Criteria: Ambry Variant Classification Scheme 2023. Collection method: clinical testing. Allele origin: germline.

PreventionGenetics, part of Exact Sciences
Classification: Likely benign for MSH3-related condition. Last evaluated: 2022-12-12. Review status: no assertion criteria provided. Collection method: clinical testing. Allele origin: germline. Not counted in ClinVar's aggregate classification.
Comment: This variant is classified as likely benign based on ACMG/AMP sequence variant interpretation guidelines (Richards et al. 2015 PMID: 25741868, with internal and published modifications).